The following is an entry in ClinVar:

NM_001042492.3(NF1):c.4190T>A (p.Phe1397Tyr)

Gene: NF1 (neurofibromin 1; plus strand). Cytogenetic location: 17q11.2.
Variant type: single nucleotide variant.
Coding change: c.4190T>A on transcript NM_001042492.3 (MANE Select); coding-DNA position 4190, T replaced by A.
Protein change: p.Phe1397Tyr; replaces phenylalanine 1397 with tyrosine.
Molecular consequence: missense variant.
Genome position (GRCh38, 1-based): chr17:31,258,360, T>A. VCF-style: chr17-31258360-T-A. GRCh37 (hg19) VCF-style: chr17-29585378-T-A.
Other names: c.4127T>A, p.Phe1376Tyr (NM_000267.4); short protein forms F1376Y, F1397Y.
Identifiers: ClinVar variation 457681 (VCV000457681.10), dbSNP rs768223279, ClinGen allele CA8486364.

ClinVar aggregate classification (germline): Uncertain significance. Review status: criteria provided, multiple submitters, no conflicts (2 of 4 stars). 3 submissions from 3 submitters: Uncertain significance (3). Last evaluated 2025-03-24.

Conditions:
Cardiovascular phenotype. Identifiers: MedGen CN230736.
Hereditary cancer-predisposing syndrome. Also called: Hereditary Cancer Syndrome; Hereditary neoplastic syndrome; Tumor predisposition; Neoplastic Syndromes, Hereditary. Identifiers: Orphanet 140162, MedGen C0027672, MeSH D009386, MONDO:0015356.
Neurofibromatosis, type 1 (NF1). Also called: VON RECKLINGHAUSEN DISEASE; NEUROFIBROMATOSIS, TYPE I, SOMATIC; Peripheral type neurofibromatosis; Neurofibromatosis, type I. Identifiers: Orphanet 636, MedGen C0027831, MONDO:0018975, OMIM 162200. Disease mechanism: loss of function.

Allele frequency attached by ClinVar (database versions not stated): gnomAD exomes below 0.00001; ExAC 0.00001; gnomAD 0.00001.
gnomAD v4.1: 3 of 1,613,840 alleles (0.00019%); highest among the groups gnomAD compares: African/African-American, 0.004%; no homozygotes.

Submissions (3):

Labcorp Genetics (formerly Invitae), Labcorp
Classification: Uncertain significance for Neurofibromatosis, type 1. Last evaluated: 2025-03-24. Review status: criteria provided, single submitter. Criteria: Invitae Variant Classification Sherloc (09022015). Collection method: clinical testing. Allele origin: germline.
Comment: This sequence change replaces phenylalanine, which is neutral and non-polar, with tyrosine, which is neutral and polar, at codon 1376 of the NF1 protein (p.Phe1376Tyr). This variant is present in population databases (rs768223279, gnomAD 0.007%). This variant has not been reported in the literature in individuals affected with NF1-related conditions. ClinVar contains an entry for this variant (Variation ID: 457681). Invitae Evidence Modeling of protein sequence and biophysical properties (such as structural, functional, and spatial information, amino acid conservation, physicochemical variation, residue mobility, and thermodynamic stability) has been performed for this missense variant. However, the output from this modeling did not meet the statistical confidence thresholds required to predict the impact of this variant on NF1 protein function. In summary, the available evidence is currently insufficient to determine the role of this variant in disease. Therefore, it has been classified as a Variant of Uncertain Significance.

Genome-Nilou Lab
Classification: Uncertain significance for Neurofibromatosis, type 1. Last evaluated: 2022-03-15. Review status: criteria provided, single submitter. Criteria: ACMG Guidelines, 2015. Collection method: clinical testing. Allele origin: germline. Affected: no.

Ambry Genetics
Classification: Uncertain significance for Cardiovascular phenotype; Hereditary cancer-predisposing syndrome. Last evaluated: 2018-08-15. Review status: criteria provided, single submitter. Criteria: Ambry Variant Classification Scheme 2023. Collection method: clinical testing. Allele origin: germline.